The following is an entry in ClinVar:

NM_015378.4(VPS13D):c.3329T>C (p.Leu1110Ser)

Gene: VPS13D (vacuolar protein sorting 13 homolog D; plus strand). Cytogenetic location: 1p36.22.
Variant type: single nucleotide variant.
Coding change: c.3329T>C on transcript NM_015378.4 (MANE Select); coding-DNA position 3329, T replaced by C.
Protein change: p.Leu1110Ser; replaces leucine 1110 with serine.
Molecular consequence: missense variant.
Genome position (GRCh38, 1-based): chr1:12,276,917, T>C. VCF-style: chr1-12276917-T-C. GRCh37 (hg19) VCF-style: chr1-12336974-T-C.
Other names: c.3329T>C, p.Leu1110Ser (NM_018156.4); short protein forms L1110S.
Identifiers: ClinVar variation 3647209 (VCV003647209.2).
Genomic context (GRCh38, chr1:12,276,917, plus strand): 5'-AGTGCCCATCGATGAATTTAGACAGTACTCTTCAGGTGATTTCCCTACAGGTGAATAATT[T>C]AGATATTATCCTCAATCCAGAGACGATTGTGGAGCTAATTGGTTTTCTTCAAAAATCCTT-3'
Protein context (NP_056193.2, residues 1100-1120): LQVISLQVNN[Leu1110Ser]DIILNPETIV

ClinVar aggregate classification (germline): Uncertain significance (1 of 4 stars; one submission).

gnomAD v4.1: 2 of 1,614,210 alleles (0.00012%); highest among the groups gnomAD compares: African/African-American, 0.0027%; no homozygotes.

Submission:

Labcorp Genetics (formerly Invitae), Labcorp
Classification: Uncertain significance. Last evaluated: 2024-03-21. Review status: criteria provided, single submitter. Criteria: Invitae Variant Classification Sherloc (09022015). Collection method: clinical testing. Allele origin: germline.
Comment: This sequence change replaces leucine, which is neutral and non-polar, with serine, which is neutral and polar, at codon 1110 of the VPS13D protein (p.Leu1110Ser). This variant is present in population databases (rs191258817, gnomAD 0.01%). This variant has not been reported in the literature in individuals affected with VPS13D-related conditions. Advanced modeling of protein sequence and biophysical properties (such as structural, functional, and spatial information, amino acid conservation, physicochemical variation, residue mobility, and thermodynamic stability) performed at Invitae indicates that this missense variant is expected to disrupt VPS13D protein function with a positive predictive value of 80%. In summary, the available evidence is currently insufficient to determine the role of this variant in disease. Therefore, it has been classified as a Variant of Uncertain Significance.